The following is an entry in ClinVar:

ClinVar aggregate classification (germline): Uncertain significance (1 of 4 stars; one submission).

gnomAD v4.1: 2 of 1,607,458 alleles (0.00012%); highest among the groups gnomAD compares: East Asian, 0.0022%; no homozygotes.

Submission:

Labcorp Genetics (formerly Invitae), Labcorp
Classification: Uncertain significance. Last evaluated: 2025-04-26. Review status: criteria provided, single submitter. Criteria: Invitae Variant Classification Sherloc (09022015). Collection method: clinical testing. Allele origin: germline.
Comment: This sequence change replaces valine, which is neutral and non-polar, with alanine, which is neutral and non-polar, at codon 341 of the RICTOR protein (p.Val341Ala). This variant is not present in population databases (gnomAD no frequency). This variant has not been reported in the literature in individuals affected with RICTOR-related conditions. An algorithm developed to predict the effect of missense changes on protein structure and function (PolyPhen-2) suggests that this variant is likely to be tolerated. In summary, the available evidence is currently insufficient to determine the role of this variant in disease. Therefore, it has been classified as a Variant of Uncertain Significance.

NM_152756.5(RICTOR):c.1022T>C (p.Val341Ala)

Gene: RICTOR (RPTOR independent companion of MTOR complex 2; minus strand). Cytogenetic location: 5p13.1.
Variant type: single nucleotide variant.
Coding change: c.1022T>C on transcript NM_152756.5 (MANE Select); coding-DNA position 1022, T replaced by C.
Protein change: p.Val341Ala; replaces valine 341 with alanine.
Molecular consequence: missense variant.
Genome position (GRCh38, 1-based): chr5:38,967,981, A>G on the plus strand (T>C on the coding strand, the complement: RICTOR is on the minus strand). VCF-style: chr5-38967981-A-G. GRCh37 (hg19) VCF-style: chr5-38968083-A-G.
Other names: c.1022T>C, p.Val341Ala (NM_001285439.2, NM_001438007.1, NM_001438248.1); c.167T>C, p.Val56Ala (NM_001285440.2); c.974T>C, p.Val325Ala (NM_001438049.1, NM_001438246.1, NM_001438247.1 and 1 more transcripts); short protein forms V341A, V325A, V56A.
Identifiers: ClinVar variation 4767081 (VCV004767081.1).